The following is an entry in ClinVar:

ClinVar aggregate classification (germline): Likely pathogenic (1 of 4 stars; one submission).

Conditions:
Ehlers-Danlos syndrome, kyphoscoliotic type 1 (EDSKSCL1). Also called: Ehlers-Danlos syndrome, hydroxylysine-deficient; EHLERS-DANLOS SYNDROME, OCULAR-SCOLIOTIC TYPE; PLOD1-Related Kyphoscoliotic Ehlers-Danlos Syndrome; EHLERS-DANLOS SYNDROME, TYPE VIA. Identifiers: Orphanet 1900, MedGen C0268342, MONDO:0016002, OMIM 225400. Disease mechanism: loss of function.

Allele frequency attached by ClinVar (database versions not stated): TOPMed below 0.00001.

Submission:

Labcorp Genetics (formerly Invitae), Labcorp
Classification: Likely pathogenic for Ehlers-Danlos syndrome, kyphoscoliotic type 1. Last evaluated: 2023-10-04. Review status: criteria provided, single submitter. Criteria: Invitae Variant Classification Sherloc (09022015). Collection method: clinical testing. Allele origin: germline.
Comment: This sequence change affects an acceptor splice site in intron 6 of the PLOD1 gene. It is expected to disrupt RNA splicing. Variants that disrupt the donor or acceptor splice site typically lead to a loss of protein function (PMID: 16199547), and loss-of-function variants in PLOD1 are known to be pathogenic (PMID: 10874315, 21699693). This variant is not present in population databases (gnomAD no frequency). This variant has not been reported in the literature in individuals affected with PLOD1-related conditions. Algorithms developed to predict the effect of sequence changes on RNA splicing suggest that this variant may disrupt the consensus splice site. In summary, the currently available evidence indicates that the variant is pathogenic, but additional data are needed to prove that conclusively. Therefore, this variant has been classified as Likely Pathogenic.

Literature cited by the submitters: PubMed 16199547; PubMed 10874315; PubMed 21699693.

NM_000302.4(PLOD1):c.644-2A>G

Gene: PLOD1 (procollagen-lysine,2-oxoglutarate 5-dioxygenase 1; plus strand). Cytogenetic location: 1p36.22.
Variant type: single nucleotide variant.
Coding change: c.644-2A>G on transcript NM_000302.4 (MANE Select); the canonical splice acceptor site of the intron before coding-DNA position 644, A replaced by G.
Molecular consequence: splice acceptor variant.
Genome position (GRCh38, 1-based): chr1:11,956,915, A>G. VCF-style: chr1-11956915-A-G. GRCh37 (hg19) VCF-style: chr1-12016972-A-G.
Other names: c.785-2A>G (NM_001316320.2).
Identifiers: ClinVar variation 2864072 (VCV002864072.3), dbSNP rs369038766, ClinGen allele CA338430682.
Genomic context (GRCh38, chr1:11,956,915, plus strand): 5'-TTGGACCCTGAGCCTGACCTCTGGGTCTGATGCTGGGTGGGACTGTGCTTTCTGACCCCC[A>G]GATGAGGTCGTGCTCAAGTTTGAAATGGGCCATGTGAGAGCGAGGAACCTGGCCTATGAC-3'